The following is an entry in ClinVar:

ClinVar aggregate classification (germline): Pathogenic (1 of 4 stars; one submission).

Submission:

Labcorp Genetics (formerly Invitae), Labcorp
Classification: Pathogenic. Last evaluated: 2025-09-08. Review status: criteria provided, single submitter. Criteria: Invitae Variant Classification Sherloc (09022015). Collection method: clinical testing. Allele origin: germline.
Comment: This sequence change replaces cysteine, which is neutral and slightly polar, with tyrosine, which is neutral and polar, at codon 86 of the RP2 protein (p.Cys86Tyr). This variant is not present in population databases (gnomAD no frequency). This missense change has been observed in individuals with clinical features of retinitis pigmentosa (PMID: 10937588, 36423731; internal data). ClinVar contains an entry for this variant (Variation ID: 1468322). Invitae Evidence Modeling of protein sequence and biophysical properties (such as structural, functional, and spatial information, amino acid conservation, physicochemical variation, residue mobility, and thermodynamic stability) indicates that this missense variant is expected to disrupt RP2 protein function with a positive predictive value of 95%. Experimental studies have shown that this missense change affects RP2 function (PMID: 21738648, 28209709). This variant disrupts the p.Cys86 amino acid residue in RP2. Other variant(s) that disrupt this residue have been determined to be pathogenic (PMID: 36423731; internal data). This suggests that this residue is clinically significant, and that variants that disrupt this residue are likely to be disease-causing. For these reasons, this variant has been classified as Pathogenic.

Literature cited by the submitters: PubMed 10937588; PubMed 36423731; PubMed 21738648; PubMed 28209709.

NM_006915.3(RP2):c.257G>A (p.Cys86Tyr)

Gene: RP2 (RP2 activator of ARL3 GTPase; plus strand). Cytogenetic location: Xp11.3.
Variant type: single nucleotide variant.
Coding change: c.257G>A on transcript NM_006915.3 (MANE Select); coding-DNA position 257, G replaced by A.
Protein change: p.Cys86Tyr; replaces cysteine 86 with tyrosine.
Molecular consequence: missense variant.
Genome position (GRCh38, 1-based): chrX:46,853,630, G>A. VCF-style: chrX-46853630-G-A. GRCh37 (hg19) VCF-style: chrX-46713065-G-A.
Other names: short protein forms C86Y.
Identifiers: ClinVar variation 1468322 (VCV001468322.7), dbSNP rs2147081236, ClinGen allele CA413039135.